The following is an entry in ClinVar:

NM_001042681.2(RERE):c.1118G>A (p.Gly373Asp)

Gene: RERE (arginine-glutamic acid dipeptide repeats; minus strand). Cytogenetic location: 1p36.23.
Variant type: single nucleotide variant.
Coding change: c.1118G>A on transcript NM_001042681.2 (MANE Select); coding-DNA position 1118, G replaced by A.
Protein change: p.Gly373Asp; replaces glycine 373 with aspartic acid.
Molecular consequence: missense variant.
Genome position (GRCh38, 1-based): chr1:8,466,010, C>T on the plus strand (G>A on the coding strand, the complement: RERE is on the minus strand). VCF-style: chr1-8466010-C-T. GRCh37 (hg19) VCF-style: chr1-8526070-C-T.
Other names: c.1118G>A, p.Gly373Asp (NM_012102.4); short protein forms G373D.
Identifiers: ClinVar variation 4881751 (VCV004881751.2).

ClinVar aggregate classification (germline): Uncertain significance (1 of 4 stars; one submission).

Conditions:
Complex neurodevelopmental disorder with or without congenital anomalies. Identifiers: MedGen CN315647, MONDO:0100465.

gnomAD v4.1: 1 of 1,610,234 alleles (0.000062%); highest among the groups gnomAD compares: East Asian, 0.0022%; no homozygotes.

Submission:

Dasa
Classification: Uncertain significance for complex neurodevelopmental disorder with or without congenital anomalies. Last evaluated: 2026-01-03. Review status: criteria provided, single submitter. Criteria: DASA Assertion Criteria. Collection method: clinical testing. Allele origin: germline.
Comment: NM_001042681.2(RERE):c.1118G>A (p.Gly373Asp) is a missense variant that results in the substitution of glycine with aspartic acid. This variant is rare in population databases. Computational prediction algorithms are consistent with a benign effect. The currently available literature and clinical evidence are not sufficient to establish a definitive association between this variant and the reported condition. Therefore, this variant is classified as a variant of uncertain significance.